The following is an entry in ClinVar:

ClinVar aggregate classification (germline): Likely benign. Review status: criteria provided, multiple submitters, no conflicts (2 of 4 stars). 2 submissions from 2 submitters: Likely benign (2). Last evaluated 2024-09-02.

Allele frequency attached by ClinVar (database versions not stated): gnomAD 0.00007; TOPMed 0.00008; ExAC 0.00010; ESP Exome Variant Server 0.00015; 1000 Genomes Project 30x 0.00016; gnomAD exomes 0.00016; 1000 Genomes Project 0.00020.
gnomAD v4.1: 233 of 1,612,576 alleles (0.014%); highest among the groups gnomAD compares: African/African-American, 0.021%; no homozygotes.

Submissions (2):

Labcorp Genetics (formerly Invitae), Labcorp
Classification: Likely benign. Last evaluated: 2024-09-02. Review status: criteria provided, single submitter. Criteria: Invitae Variant Classification Sherloc (09022015). Collection method: clinical testing. Allele origin: germline.

CeGaT Center for Human Genetics Tuebingen
Classification: Likely benign. Last evaluated: 2022-07-01. Review status: criteria provided, single submitter. Criteria: CeGaT Center For Human Genetics Tuebingen Variant Classification Criteria Version 2. Collection method: clinical testing. Allele origin: germline. Affected: yes. Observed: 2 variant alleles.
Comment: TRRAP: BP4, BP7

NM_001375524.1(TRRAP):c.11565G>A (p.Ala3855=)

Gene: TRRAP (transformation/transcription domain associated protein; plus strand). Cytogenetic location: 7q22.1.
Variant type: single nucleotide variant.
Coding change: c.11565G>A on transcript NM_001375524.1 (MANE Select); coding-DNA position 11565, G replaced by A.
Protein change: p.Ala3855=; no amino-acid change (alanine 3855 retained).
Molecular consequence: synonymous variant.
Genome position (GRCh38, 1-based): chr7:99,012,298, G>A. VCF-style: chr7-99012298-G-A. GRCh37 (hg19) VCF-style: chr7-98609921-G-A.
Other names: c.11523G>A, p.Ala3841= (NM_001244580.2); c.11436G>A, p.Ala3812= (NM_003496.4).
Identifiers: ClinVar variation 2657716 (VCV002657716.27), dbSNP rs141162046, ClinGen allele CA4362198.